The following is an entry in ClinVar:

NM_152328.5(ADSS1):c.494A>G (p.Lys165Arg)

Gene: ADSS1 (adenylosuccinate synthase 1; plus strand). Cytogenetic location: 14q32.33.
Variant type: single nucleotide variant.
Coding change: c.494A>G on transcript NM_152328.5 (MANE Select); coding-DNA position 494, A replaced by G.
Protein change: p.Lys165Arg; replaces lysine 165 with arginine.
Molecular consequence: missense variant. On other transcripts: 5 prime UTR variant (1).
Genome position (GRCh38, 1-based): chr14:104,740,618, A>G. VCF-style: chr14-104740618-A-G. GRCh37 (hg19) VCF-style: chr14-105206955-A-G.
Other names: c.-122A>G (NM_001320424.1); c.623A>G, p.Lys208Arg (NM_199165.2); c.623A>G (NM_199165.1); short protein forms K165R, K208R.
Identifiers: ClinVar variation 1681934 (VCV001681934.6), dbSNP rs368092518, ClinGen allele CA7373724.

ClinVar aggregate classification (germline): Uncertain significance. Review status: criteria provided, multiple submitters, no conflicts (2 of 4 stars). 2 submissions from 2 submitters: Uncertain significance (2). Last evaluated 2025-01-22.

Conditions:
Inborn genetic diseases. Identifiers: MedGen C0950123, MeSH D030342.

Allele frequency attached by ClinVar (database versions not stated): gnomAD exomes below 0.00001 and 0.00001; ExAC 0.00002; TOPMed 0.00003; gnomAD 0.00004 and 0.00006; ESP Exome Variant Server 0.00008.
gnomAD v4.1: 16 of 1,613,522 alleles (0.00099%); highest among the groups gnomAD compares: African/African-American, 0.011%; no homozygotes.

Submissions (2):

Ambry Genetics
Classification: Uncertain significance for Inborn genetic diseases. Last evaluated: 2025-01-22. Review status: criteria provided, single submitter. Criteria: Ambry Variant Classification Scheme 2023. Collection method: clinical testing. Allele origin: germline.

Labcorp Genetics (formerly Invitae), Labcorp
Classification: Uncertain significance. Last evaluated: 2022-08-16. Review status: criteria provided, single submitter. Criteria: Invitae Variant Classification Sherloc (09022015). Collection method: clinical testing. Allele origin: germline.
Comment: This sequence change replaces lysine, which is basic and polar, with arginine, which is basic and polar, at codon 208 of the ADSSL1 protein (p.Lys208Arg). This variant is present in population databases (rs368092518, gnomAD 0.008%). This variant has not been reported in the literature in individuals affected with ADSSL1-related conditions. ClinVar contains an entry for this variant (Variation ID: 1681934). Algorithms developed to predict the effect of missense changes on protein structure and function are either unavailable or do not agree on the potential impact of this missense change (SIFT: "Not Available"; PolyPhen-2: "Benign"; Align-GVGD: "Not Available"). In summary, the available evidence is currently insufficient to determine the role of this variant in disease. Therefore, it has been classified as a Variant of Uncertain Significance.